The following is an entry in ClinVar:

NM_007325.5(GRIA3):c.87A>T (p.Gly29=)

Gene: GRIA3 (glutamate ionotropic receptor AMPA type subunit 3; plus strand). Cytogenetic location: Xq25.
Variant type: single nucleotide variant.
Coding change: c.87A>T on transcript NM_007325.5 (MANE Select); coding-DNA position 87, A replaced by T.
Protein change: p.Gly29=; no amino-acid change (glycine 29 retained).
Molecular consequence: synonymous variant.
Genome position (GRCh38, 1-based): chrX:123,184,622, A>T. VCF-style: chrX-123184622-A-T. GRCh37 (hg19) VCF-style: chrX-122318474-A-T.
Other names: c.87A>T, p.Gly29= (NM_000828.5, NM_001256743.2).
Identifiers: ClinVar variation 1640921 (VCV001640921.16), dbSNP rs765395672, ClinGen allele CA10506815.

ClinVar aggregate classification (germline): Benign/Likely benign. Review status: criteria provided, multiple submitters, no conflicts (2 of 4 stars). 2 submissions from 2 submitters: Benign (1); Likely benign (1). Last evaluated 2025-08-01.

Allele frequency attached by ClinVar (database versions not stated): gnomAD 0.00001; TOPMed 0.00001; gnomAD exomes 0.00004 and 0.00013; ExAC 0.00014.
gnomAD v4.1: 47 of 1,194,750 alleles (0.0039%); highest among the groups gnomAD compares: South Asian, 0.075%; no homozygotes.

Submissions (2):

CeGaT Center for Human Genetics Tuebingen
Classification: Likely benign. Last evaluated: 2025-08-01. Review status: criteria provided, single submitter. Criteria: CeGaT Center For Human Genetics Tuebingen Variant Classification Criteria Version 2. Collection method: clinical testing. Allele origin: germline. Affected: yes. Observed: 1 variant allele.
Comment: GRIA3: BP4, BS2

Labcorp Genetics (formerly Invitae), Labcorp
Classification: Benign. Last evaluated: 2023-12-18. Review status: criteria provided, single submitter. Criteria: Invitae Variant Classification Sherloc (09022015). Collection method: clinical testing. Allele origin: germline.